The following is an entry in ClinVar:

ClinVar aggregate classification (germline): Uncertain significance (1 of 4 stars; one submission).

Conditions:
Generalized epilepsy-paroxysmal dyskinesia syndrome (PNKD3). Also called: Generalized epilepsy and paroxysmal dyskinesia; Paroxysmal nonkinesigenic dyskinesia, 3, with or without generalized epilepsy. Identifiers: Orphanet 79137, MedGen C5574945, MONDO:0012276, OMIM 609446.

Submission:

Labcorp Genetics (formerly Invitae), Labcorp
Classification: Uncertain significance for Generalized epilepsy-paroxysmal dyskinesia syndrome. Last evaluated: 2025-03-18. Review status: criteria provided, single submitter. Criteria: Invitae Variant Classification Sherloc (09022015). Collection method: clinical testing. Allele origin: germline.
Comment: This variant, c.54_56del, results in the deletion of 1 amino acid(s) of the KCNMA1 protein (p.Gly20del), but otherwise preserves the integrity of the reading frame. The frequency data for this variant in the population databases is considered unreliable, as metrics indicate poor data quality at this position in the gnomAD database. This variant has not been reported in the literature in individuals affected with KCNMA1-related conditions. Experimental studies and prediction algorithms are not available or were not evaluated, and the functional significance of this variant is currently unknown. In summary, the available evidence is currently insufficient to determine the role of this variant in disease. Therefore, it has been classified as a Variant of Uncertain Significance.

NM_001161352.2(KCNMA1):c.36CGG[6] (p.Gly20del)

Gene: KCNMA1 (potassium calcium-activated channel subfamily M alpha 1; minus strand). Cytogenetic location: 10q22.3.
Variant type: Microsatellite.
Coding change: c.36CGG[6] on transcript NM_001161352.2 (MANE Select); six copies in a row of the 3-base unit CGG starting at c.36; the reference has seven copies in a row; one copy, 3 bases deleted.
Protein change: p.Gly20del; deletes glycine 20.
Molecular consequence: inframe deletion.
Genome position (GRCh38, 1-based): chr10:77,637,587-77,637,589, CCG deleted on the plus strand (CGG on the coding strand, the reverse complement: KCNMA1 is on the minus strand); deleting any 3 consecutive bases within chr10:77,637,587-77,637,608 gives the same sequence; the position shown is the placement nearest the transcript's 3' end. VCF-style (leftmost placement, unchanged base first): chr10-77637586-TCCG-T. GRCh37 (hg19) VCF-style: chr10-79397344-TCCG-T.
Other names: c.36CGG[6], p.Gly20del (NM_001014797.3, NM_001161353.2, NM_001271518.2 and 12 more transcripts); short protein forms G20del.
Identifiers: ClinVar variation 1356342 (VCV001356342.8), dbSNP rs760628050, ClinGen allele CA5568816.